The following is an entry in ClinVar:

NM_144999.4(LRRC45):c.958C>G (p.Gln320Glu)

Gene: LRRC45 (leucine rich repeat containing 45; plus strand). Cytogenetic location: 17q25.3.
Variant type: single nucleotide variant.
Coding change: c.958C>G on transcript NM_144999.4 (MANE Select); coding-DNA position 958, C replaced by G.
Protein change: p.Gln320Glu; replaces glutamine 320 with glutamic acid.
Molecular consequence: missense variant.
Genome position (GRCh38, 1-based): chr17:82,028,057, C>G. VCF-style: chr17-82028057-C-G. GRCh37 (hg19) VCF-style: chr17-79985933-C-G.
Other names: short protein forms Q320E.
Identifiers: ClinVar variation 4983668 (VCV004983668.1).

ClinVar aggregate classification (germline): Uncertain significance (1 of 4 stars; one submission).

Conditions:
LRRC45-related disorder. Also called: LRRC45-related condition.

gnomAD v4.1: 4 of 1,604,428 alleles (0.00025%); highest among the groups gnomAD compares: Admixed American, 0.0068%; no homozygotes.

Submission:

PreventionGenetics, part of Exact Sciences
Classification: Uncertain significance for LRRC45-related condition. Last evaluated: 2026-08-14. Review status: criteria provided, single submitter. Criteria: ACMG Guidelines, 2015. Collection method: clinical testing. Allele origin: germline.
Comment: The LRRC45 c.958C>G variant is predicted to result in the amino acid substitution p.Gln320Glu. To our knowledge, this variant has not been reported in the literature. This variant is reported in 0.0061% of alleles in individuals of Latino descent in gnomAD. At this time, the clinical significance of this variant is uncertain due to the absence of conclusive functional and genetic evidence.